The following is an entry in ClinVar:

ClinVar aggregate classification (germline): Uncertain significance (1 of 4 stars; one submission).

Conditions:
Catecholaminergic polymorphic ventricular tachycardia (CVPT). Also called: Catecholamine-induced polymorphic ventricular tachycardia. Identifiers: Orphanet 3286, MedGen C5574922, MONDO:0017990.

Submission:

All of Us Research Program, National Institutes of Health
Classification: Uncertain significance for Catecholaminergic polymorphic ventricular tachycardia. Last evaluated: 2024-04-16. Review status: criteria provided, single submitter. Criteria: ACMG Guidelines, 2015. Collection method: clinical testing. Allele origin: germline. Inheritance: Autosomal dominant inheritance. Observed: 1 variant allele, 1 heterozygote.
Comment: This missense variant replaces arginine with proline at codon 1807 of the RYR2 protein. Computational prediction suggests that this variant may have deleterious impact on protein structure and function (internally defined REVEL score threshold >= 0.7, PMID: 27666373). To our knowledge, functional studies have not been reported for this variant. This variant has not been reported in individuals affected with RYR2-related disorders in the literature. This variant has not been identified in the general population by the Genome Aggregation Database (gnomAD). The available evidence is insufficient to determine the role of this variant in disease conclusively. Therefore, this variant is classified as a Variant of Uncertain Significance.

This study involves interpretation of variants in research participants for the purpose of population health screening. Participant phenotype was not available at the time of variant classification. Additional details can be found in publication PMID: 35346344, PMCID: PMC8962531

NM_001035.3(RYR2):c.5420G>C (p.Arg1807Pro)

Gene: RYR2 (ryanodine receptor 2; plus strand). Cytogenetic location: 1q43.
Variant type: single nucleotide variant.
Coding change: c.5420G>C on transcript NM_001035.3 (MANE Select); coding-DNA position 5420, G replaced by C.
Protein change: p.Arg1807Pro; replaces arginine 1807 with proline.
Molecular consequence: missense variant.
Genome position (GRCh38, 1-based): chr1:237,614,548, G>C. VCF-style: chr1-237614548-G-C. GRCh37 (hg19) VCF-style: chr1-237777848-G-C.
Other names: short protein forms R1807P.
Identifiers: ClinVar variation 3385736 (VCV003385736.1).
Genomic context (GRCh38, chr1:237,614,548, plus strand): 5'-TCAAGTCCAAAACCATACAGATGCTGACAGAAGCTGTTAAAGAGGGCAGTCTTCATGCCC[G>C]GGACCCAGTTGGAGGGACTACTGAATTCCTCTTTGTACCTCTCATCAAGCTTTTCTATAC-3'
Protein context (NP_001026.2, residues 1797-1817): EAVKEGSLHA[Arg1807Pro]DPVGGTTEFL